The following is an entry in ClinVar:

ClinVar aggregate classification (germline): Benign/Likely benign. Review status: criteria provided, single submitter (1 of 4 stars). 2 submissions from 1 submitter: Benign (1); Likely benign (1). Last evaluated 2018-01-13.

Conditions:
Autosomal dominant nonsyndromic hearing loss 23. Identifiers: Orphanet 90635, MedGen C1854594, MONDO:0011519, OMIM 605192.
Branchiootic syndrome 3 (BOS3). Also called: BO SYNDROME 3. Identifiers: MedGen C1842124, MONDO:0012025, OMIM 608389.

Allele frequency attached by ClinVar (database versions not stated): gnomAD 0.00021 and 0.00031; ESP Exome Variant Server 0.00033; TOPMed 0.00041.
gnomAD v4.1: 467 of 1,602,586 alleles (0.029%); highest among the groups gnomAD compares: Non-Finnish European, 0.037%; no homozygotes.

Submissions (2):

Illumina Laboratory Services, Illumina
Classification: Likely benign for Autosomal dominant nonsyndromic hearing loss 23. Last evaluated: 2018-01-13. Review status: criteria provided, single submitter. Criteria: ICSL Variant Classification Criteria 13 December 2019. Collection method: clinical testing. Allele origin: germline.
Comment: This variant was observed in the ICSL laboratory as part of a predisposition screen in an ostensibly healthy population. It had not been previously curated by ICSL or reported in the Human Gene Mutation Database (HGMD: prior to June 1st, 2018), and was therefore a candidate for classification through an automated scoring system. Utilizing variant allele frequency, disease prevalence and penetrance estimates, and inheritance mode, an automated score was calculated to assess if this variant is too frequent to cause the disease. Based on the score and internal cut-off values, a variant classified as likely benign is not then subjected to further curation. The score for this variant resulted in a classification of likely benign for this disease.

Illumina Laboratory Services, Illumina
Classification: Benign for Branchiootic syndrome 3. Last evaluated: 2018-01-13. Review status: criteria provided, single submitter. Criteria: ICSL Variant Classification Criteria 13 December 2019. Collection method: clinical testing. Allele origin: germline.
Comment: This variant was observed in the ICSL laboratory as part of a predisposition screen in an ostensibly healthy population. It had not been previously curated by ICSL or reported in the Human Gene Mutation Database (HGMD: prior to June 1st, 2018), and was therefore a candidate for classification through an automated scoring system. Utilizing variant allele frequency, disease prevalence and penetrance estimates, and inheritance mode, an automated score was calculated to assess if this variant is too frequent to cause the disease. Based on the score and internal cut-off values, a variant classified as benign is not then subjected to further curation. The score for this variant resulted in a classification of benign for this disease.

NM_005982.4(SIX1):c.-14G>T

Gene: SIX1 (SIX homeobox 1; minus strand). Cytogenetic location: 14q23.1.
Variant type: single nucleotide variant.
Coding change: c.-14G>T on transcript NM_005982.4 (MANE Select); 14 bases upstream of the start codon, G replaced by T.
Molecular consequence: 5 prime UTR variant.
Genome position (GRCh38, 1-based): chr14:60,649,203, C>A on the plus strand (G>T on the coding strand, the complement: SIX1 is on the minus strand). VCF-style: chr14-60649203-C-A. GRCh37 (hg19) VCF-style: chr14-61115921-C-A.
Identifiers: ClinVar variation 313467 (VCV000313467.5), dbSNP rs374228886, ClinGen allele CA7212877.